The following is an entry in ClinVar:

ClinVar aggregate classification (germline): Uncertain significance. Review status: criteria provided, multiple submitters, no conflicts (2 of 4 stars). 4 submissions from 4 submitters: Uncertain significance (3). 1 of the submissions does not count toward it. Last evaluated 2024-11-04.

Conditions:
Holocarboxylase synthetase deficiency. Also called: MULTIPLE CARBOXYLASE DEFICIENCY, EARLY ONSET. Identifiers: Orphanet 79242, MedGen C0268581, MONDO:0009666, OMIM 253270.

Allele frequency attached by ClinVar (database versions not stated): ExAC 0.00003; gnomAD 0.00003 and 0.00004; gnomAD exomes 0.00006; TOPMed 0.00006; ESP Exome Variant Server 0.00008.
gnomAD v4.1: 59 of 1,613,988 alleles (0.0037%); highest among the groups gnomAD compares: African/African-American, 0.008%; no homozygotes.

Submissions (4):

Women's Health and Genetics/Laboratory Corporation of America, LabCorp
Classification: Uncertain significance. Last evaluated: 2024-11-04. Review status: criteria provided, single submitter. Criteria: LabCorp Variant Classification Summary - May 2015. Collection method: clinical testing. Allele origin: germline.

Labcorp Genetics (formerly Invitae), Labcorp
Classification: Uncertain significance for Holocarboxylase synthetase deficiency. Last evaluated: 2022-08-21. Review status: criteria provided, single submitter. Criteria: Invitae Variant Classification Sherloc (09022015). Collection method: clinical testing. Allele origin: germline.
Comment: This sequence change replaces aspartic acid, which is acidic and polar, with asparagine, which is neutral and polar, at codon 715 of the HLCS protein (p.Asp715Asn). This variant is present in population databases (rs140014588, gnomAD 0.01%). This variant has not been reported in the literature in individuals affected with HLCS-related conditions. ClinVar contains an entry for this variant (Variation ID: 969652). Advanced modeling of protein sequence and biophysical properties (such as structural, functional, and spatial information, amino acid conservation, physicochemical variation, residue mobility, and thermodynamic stability) performed at Invitae indicates that this missense variant is expected to disrupt HLCS protein function. In summary, the available evidence is currently insufficient to determine the role of this variant in disease. Therefore, it has been classified as a Variant of Uncertain Significance.

Fulgent Genetics
Classification: Uncertain significance for Holocarboxylase synthetase deficiency. Last evaluated: 2021-12-14. Review status: criteria provided, single submitter. Criteria: ACMG Guidelines, 2015. Collection method: clinical testing. Allele origin: unknown.

Natera, Inc.
Classification: Uncertain significance for Holocarboxylase synthetase deficiency. Last evaluated: 2020-02-13. Review status: no assertion criteria provided. Collection method: clinical testing. Allele origin: germline. Not counted in ClinVar's aggregate classification.

NM_001352514.2(HLCS):c.2584G>A (p.Asp862Asn)

Gene: HLCS (holocarboxylase synthetase; minus strand). Cytogenetic location: 21q22.13.
Variant type: single nucleotide variant.
Coding change: c.2584G>A on transcript NM_001352514.2 (MANE Select); coding-DNA position 2584, G replaced by A.
Protein change: p.Asp862Asn; replaces aspartic acid 862 with asparagine.
Molecular consequence: missense variant. On other transcripts: non-coding transcript variant (2).
Genome position (GRCh38, 1-based): chr21:36,754,284, C>T on the plus strand (G>A on the coding strand, the complement: HLCS is on the minus strand). VCF-style: chr21-36754284-C-T. GRCh37 (hg19) VCF-style: chr21-38126585-C-T.
Other names: c.2143G>A, p.Asp715Asn (NM_000411.8, NM_001242784.3, NM_001242785.2 and 4 more transcripts); short protein forms D715N, D862N.
Identifiers: ClinVar variation 969652 (VCV000969652.9), dbSNP rs140014588, ClinGen allele CA10020212.